The following is an entry in ClinVar:

ClinVar aggregate classification (germline): Uncertain significance (1 of 4 stars; one submission).

Conditions:
Baraitser-Winter syndrome 1 (BRWS1). Also called: PACHYGYRIA, MENTAL RETARDATION, EPILEPSY, AND CHARACTERISTIC FACIES; Cerebrofrontofacial syndrome; BARAITSER-WINTER SYNDROME 1, ATYPICAL; MENTAL RETARDATION WITH EPILEPSY AND CHARACTERISTIC FACIES. Identifiers: Orphanet 2649, Orphanet 2995, MedGen C1855722, MONDO:0009470, OMIM 243310.

Submission:

Labcorp Genetics (formerly Invitae), Labcorp
Classification: Uncertain significance for Baraitser-Winter syndrome 1. Last evaluated: 2023-12-11. Review status: criteria provided, single submitter. Criteria: Invitae Variant Classification Sherloc (09022015). Collection method: clinical testing. Allele origin: germline.
Comment: This variant results in a copy number gain of the genomic region encompassing exon(s) 3-6 of the ACTB gene. This region includes the termination codon of the gene. This copy number gain extends beyond the assayed region for this gene and therefore may encompass additional genes. As the precise location of this event is unknown, it may be in tandem or it may be located elsewhere in the genome. This variant has not been reported in the literature in individuals affected with ACTB-related conditions. Experimental studies and prediction algorithms are not available or were not evaluated, and the functional significance of this variant is currently unknown. In summary, the available evidence is currently insufficient to determine the role of this variant in disease. Therefore, it has been classified as a Variant of Uncertain Significance.

NC_000007.13:g.(?_5567379)_(5569051_?)dup

Gene: ACTB (actin beta; minus strand). Cytogenetic location: 7p22.1.
Variant type: Duplication.
Identifiers: ClinVar variation 2423707 (VCV002423707.4).